The following is an entry in ClinVar:

ClinVar aggregate classification (germline): Uncertain significance (1 of 4 stars; one submission).

Submission:

Labcorp Genetics (formerly Invitae), Labcorp
Classification: Uncertain significance. Last evaluated: 2024-02-07. Review status: criteria provided, single submitter. Criteria: Invitae Variant Classification Sherloc (09022015). Collection method: clinical testing. Allele origin: germline.
Comment: This sequence change replaces arginine, which is basic and polar, with tryptophan, which is neutral and slightly polar, at codon 346 of the POLE protein (p.Arg346Trp). This variant is not present in population databases (gnomAD no frequency). This variant has not been reported in the literature in individuals affected with POLE-related conditions. Advanced modeling of protein sequence and biophysical properties (such as structural, functional, and spatial information, amino acid conservation, physicochemical variation, residue mobility, and thermodynamic stability) performed at Invitae indicates that this missense variant is expected to disrupt POLE protein function with a positive predictive value of 80%. In summary, the available evidence is currently insufficient to determine the role of this variant in disease. Therefore, it has been classified as a Variant of Uncertain Significance.

NM_006231.4(POLE):c.1036A>T (p.Arg346Trp)

Gene: POLE (DNA polymerase epsilon, catalytic subunit; minus strand). Cytogenetic location: 12q24.33.
Variant type: single nucleotide variant.
Coding change: c.1036A>T on transcript NM_006231.4 (MANE Select); coding-DNA position 1036, A replaced by T.
Protein change: p.Arg346Trp; replaces arginine 346 with tryptophan.
Molecular consequence: missense variant.
Genome position (GRCh38, 1-based): chr12:132,675,805, T>A on the plus strand (A>T on the coding strand, the complement: POLE is on the minus strand). VCF-style: chr12-132675805-T-A. GRCh37 (hg19) VCF-style: chr12-133252391-T-A.
Other names: short protein forms R346W.
Identifiers: ClinVar variation 3639397 (VCV003639397.2).